The following is an entry in ClinVar:

ClinVar aggregate classification (germline): Uncertain significance (1 of 4 stars; one submission).

Conditions:
Ullrich congenital muscular dystrophy 2 (UCMD2). Identifiers: Orphanet 75840, MedGen C4225314, MONDO:0014654, OMIM 616470.
Bethlem myopathy 2 (BTHLM2). Identifiers: Orphanet 536516, Orphanet 610, MedGen C4225313, MONDO:0034022, OMIM 616471.

Submission:

Labcorp Genetics (formerly Invitae), Labcorp
Classification: Uncertain significance for Bethlem myopathy 2; Ullrich congenital muscular dystrophy 2. Last evaluated: 2024-05-07. Review status: criteria provided, single submitter. Criteria: Invitae Variant Classification Sherloc (09022015). Collection method: clinical testing. Allele origin: germline.
Comment: This sequence change replaces arginine, which is basic and polar, with glycine, which is neutral and non-polar, at codon 936 of the COL12A1 protein (p.Arg936Gly). This variant is not present in population databases (gnomAD no frequency). This variant has not been reported in the literature in individuals affected with COL12A1-related conditions. Advanced modeling of protein sequence and biophysical properties (such as structural, functional, and spatial information, amino acid conservation, physicochemical variation, residue mobility, and thermodynamic stability) has been performed at Invitae for this missense variant, however the output from this modeling did not meet the statistical confidence thresholds required to predict the impact of this variant on COL12A1 protein function. In summary, the available evidence is currently insufficient to determine the role of this variant in disease. Therefore, it has been classified as a Variant of Uncertain Significance.

NM_004370.6(COL12A1):c.2806A>G (p.Arg936Gly)

Gene: COL12A1 (collagen type XII alpha 1 chain; minus strand). Cytogenetic location: 6q13.
Variant type: single nucleotide variant.
Coding change: c.2806A>G on transcript NM_004370.6 (MANE Select); coding-DNA position 2806, A replaced by G.
Protein change: p.Arg936Gly; replaces arginine 936 with glycine.
Molecular consequence: missense variant. On other transcripts: intron variant (2).
Genome position (GRCh38, 1-based): chr6:75,165,684, T>C on the plus strand (A>G on the coding strand, the complement: COL12A1 is on the minus strand). VCF-style: chr6-75165684-T-C. GRCh37 (hg19) VCF-style: chr6-75875400-T-C.
Other names: c.2533A>G, p.Arg845Gly (NM_001424115.1); c.74-13202A>G (NM_001424116.1, NM_080645.3); c.2806A>G, p.Arg936Gly (NM_001424113.1, NM_001424114.1); short protein forms R845G, R936G.
Identifiers: ClinVar variation 3751807 (VCV003751807.2).